The following is an entry in ClinVar:

ClinVar aggregate classification (germline): Uncertain significance (1 of 4 stars; one submission).

Submission:

Ambry Genetics
Classification: Uncertain significance. Last evaluated: 2023-12-24. Review status: criteria provided, single submitter. Criteria: Ambry Variant Classification Scheme 2023. Collection method: clinical testing. Allele origin: germline.
Comment: The p.E209V variant (also known as c.626A>T), located in coding exon 1 of the EGLN2 gene, results from an A to T substitution at nucleotide position 626. The glutamic acid at codon 209 is replaced by valine, an amino acid with dissimilar properties. This amino acid position is conserved. In addition, the in silico prediction for this alteration is inconclusive. Since supporting evidence is limited at this time, the clinical significance of this alteration remains unclear.

NM_080732.4(EGLN2):c.626A>T (p.Glu209Val)

Genes: EGLN2 (egl-9 family hypoxia inducible factor 2; plus strand), RAB4B-EGLN2 (RAB4B-EGLN2 readthrough (NMD candidate); plus strand). Cytogenetic location: 19q13.2.
Variant type: single nucleotide variant.
Coding change: c.626A>T on transcript NM_080732.4 (MANE Select); coding-DNA position 626, A replaced by T.
Protein change: p.Glu209Val; replaces glutamic acid 209 with valine.
Molecular consequence: missense variant. On other transcripts: non-coding transcript variant (1).
Genome position (GRCh38, 1-based): chr19:40,801,198, A>T. VCF-style: chr19-40801198-A-T. GRCh37 (hg19) VCF-style: chr19-41307103-A-T.
Other names: c.626A>T, p.Glu209Val (NM_053046.4); short protein forms E209V.
Identifiers: ClinVar variation 3229013 (VCV003229013.1), dbSNP rs2515994930, ClinGen allele CA405955651.